The following is an entry in ClinVar:

NM_001365536.1(SCN9A):c.4368C>T (p.Ile1456=)

Genes: SCN1A-AS1 (SCN1A and SCN9A antisense RNA 1; plus strand), SCN9A (sodium voltage-gated channel alpha subunit 9; minus strand). Cytogenetic location: 2q24.3.
Variant type: single nucleotide variant.
Coding change: c.4368C>T on transcript NM_001365536.1 (MANE Select); coding-DNA position 4368, C replaced by T.
Protein change: p.Ile1456=; no amino-acid change (isoleucine 1456 retained).
Molecular consequence: synonymous variant.
Genome position (GRCh38, 1-based): chr2:166,226,597, G>A on the plus strand (C>T on the coding strand, the complement: SCN9A is on the minus strand). VCF-style: chr2-166226597-G-A. GRCh37 (hg19) VCF-style: chr2-167083107-G-A.
Other names: p.Ile1445=; c.4335C>T, p.Ile1445= (NM_002977.4).
Identifiers: ClinVar variation 1097347 (VCV001097347.11), dbSNP rs1362318488, ClinGen allele CA429897666.

ClinVar aggregate classification (germline): Conflicting classifications of pathogenicity. Review status: criteria provided, conflicting classifications (1 of 4 stars). 3 submissions from 3 submitters: Uncertain significance (1); Likely benign (2). Last evaluated 2024-05-21.

Conditions:
Generalized epilepsy with febrile seizures plus, type 7 (GEFSP7). Also called: GEFS+, TYPE 7. Identifiers: Orphanet 36387, MedGen C2751778, MONDO:0013470, OMIM 613863.
Neuropathy, hereditary sensory and autonomic, type 2A (HSAN2A). Also called: HSAN IIA; WNK1-Related HSAN2 (HSAN2A); MORVAN DISEASE; NEUROPATHY, CONGENITAL SENSORY; NEUROPATHY, HEREDITARY SENSORY RADICULAR, AUTOSOMAL RECESSIVE; NEUROPATHY, HEREDITARY SENSORY, TYPE IIA. Identifiers: Orphanet 970, MedGen C2752089, MONDO:0024309, OMIM 201300.

Allele frequency attached by ClinVar (database versions not stated): gnomAD exomes below 0.00001; gnomAD 0.00001.
gnomAD v4.1: 2 of 1,580,302 alleles (0.00013%); highest among the groups gnomAD compares: African/African-American, 0.0027%; no homozygotes.

Submissions (3):

Labcorp Genetics (formerly Invitae), Labcorp
Classification: Likely benign for Neuropathy, hereditary sensory and autonomic, type 2A; Generalized epilepsy with febrile seizures plus, type 7. Last evaluated: 2024-05-21. Review status: criteria provided, single submitter. Criteria: Invitae Variant Classification Sherloc (09022015). Collection method: clinical testing. Allele origin: germline.

Blueprint Genetics
Classification: Likely benign. Last evaluated: 2023-02-08. Review status: criteria provided, single submitter. Criteria: ACMG Guidelines, 2015. Collection method: clinical testing. Allele origin: germline.

Mayo Clinic Laboratories, Mayo Clinic
Classification: Uncertain significance. Last evaluated: 2022-04-18. Review status: criteria provided, single submitter. Criteria: ACMG Guidelines, 2015. Collection method: clinical testing. Allele origin: germline. Observed: 1 variant allele.
Comment: BP4